The following is an entry in ClinVar:

NM_001363711.2(DUOX2):c.1485C>A (p.Asp495Glu)

Gene: DUOX2 (dual oxidase 2; minus strand). Cytogenetic location: 15q21.1.
Variant type: single nucleotide variant.
Coding change: c.1485C>A on transcript NM_001363711.2 (MANE Select); coding-DNA position 1485, C replaced by A.
Protein change: p.Asp495Glu; replaces aspartic acid 495 with glutamic acid.
Molecular consequence: missense variant.
Genome position (GRCh38, 1-based): chr15:45,108,136, G>T on the plus strand (C>A on the coding strand, the complement: DUOX2 is on the minus strand). VCF-style: chr15-45108136-G-T. GRCh37 (hg19) VCF-style: chr15-45400334-G-T.
Other names: c.1485C>A, p.Asp495Glu (NM_014080.5); short protein forms D495E.
Identifiers: ClinVar variation 2978255 (VCV002978255.3), dbSNP rs771289455, ClinGen allele CA7538597.
Genomic context (GRCh38, chr15:45,108,136, plus strand): 5'-GTCACCATCCCGCAGCCGTACAAACTGGTCGAGGACAATGGCACTGAACAGGGGTCCAGG[G>T]TCCCCATGGCTCTCCAGGAGCCCCCCAAGGAGCAGCTCTAGCTGGGATAGGTCCTGGTTG-3'
Protein context (NP_001350640.1, residues 485-505): LLGGLLESHG[Asp495Glu]PGPLFSAIVL

ClinVar aggregate classification (germline): Uncertain significance (1 of 4 stars; one submission).

Allele frequency attached by ClinVar (database versions not stated): ExAC 0.00002; gnomAD exomes 0.00001.
gnomAD v4.1: 22 of 1,614,108 alleles (0.0014%); highest among the groups gnomAD compares: South Asian, 0.021%; 2 homozygotes.

Submission:

Labcorp Genetics (formerly Invitae), Labcorp
Classification: Uncertain significance. Last evaluated: 2025-04-02. Review status: criteria provided, single submitter. Criteria: Invitae Variant Classification Sherloc (09022015). Collection method: clinical testing. Allele origin: germline.
Comment: This sequence change replaces aspartic acid, which is acidic and polar, with glutamic acid, which is acidic and polar, at codon 495 of the DUOX2 protein (p.Asp495Glu). This variant is present in population databases (rs771289455, gnomAD 0.01%). This variant has not been reported in the literature in individuals affected with DUOX2-related conditions. ClinVar contains an entry for this variant (Variation ID: 2978255). Invitae Evidence Modeling of protein sequence and biophysical properties (such as structural, functional, and spatial information, amino acid conservation, physicochemical variation, residue mobility, and thermodynamic stability) indicates that this missense variant is not expected to disrupt DUOX2 protein function with a negative predictive value of 80%. In summary, the available evidence is currently insufficient to determine the role of this variant in disease. Therefore, it has been classified as a Variant of Uncertain Significance.